The following is an entry in ClinVar:

ClinVar aggregate classification (germline): Likely benign (1 of 4 stars; one submission).

Allele frequency attached by ClinVar (database versions not stated): 1000 Genomes Project 30x 0.00484; 1000 Genomes Project 0.00519; TOPMed 0.00834; gnomAD 0.00838; gnomAD exomes 0.01096.
gnomAD v4.1: 13,908 of 1,304,648 alleles (1.1%); highest among the groups gnomAD compares: Non-Finnish European, 1.2%; 91 homozygotes.

Submission:

GeneDx
Classification: Likely benign. Last evaluated: 2019-04-06. Review status: criteria provided, single submitter. Criteria: GeneDx Variant Classification Process June 2021. Collection method: clinical testing. Allele origin: germline. Affected: yes.
Comment: See Variant Classification Assertion Criteria.

NM_000195.5(HPS1):c.118-118C>A

Gene: HPS1 (HPS1 biogenesis of lysosomal organelles complex 3 subunit 1; minus strand). Cytogenetic location: 10q24.2.
Variant type: single nucleotide variant.
Coding change: c.118-118C>A on transcript NM_000195.5 (MANE Select); 118 bases into the intron before coding-DNA position 118, C replaced by A.
Molecular consequence: intron variant.
Genome position (GRCh38, 1-based): chr10:98,435,890, G>T on the plus strand (C>A on the coding strand, the complement: HPS1 is on the minus strand). VCF-style: chr10-98435890-G-T. GRCh37 (hg19) VCF-style: chr10-100195647-G-T.
Other names: c.-109-118C>A (NM_001322483.2, NM_001322485.2, NM_001322484.2); c.118-118C>A (NM_001322480.2, NM_001322478.2, NM_001322476.2 and 8 more transcripts); c.-656-118C>A (NM_001322489.2); c.-799-118C>A (NM_001311345.2); c.-898-118C>A (NM_001322487.2).
Identifiers: ClinVar variation 2501559 (VCV002501559.1), dbSNP rs41290488, ClinGen allele CA212770442.